The following is an entry in ClinVar:

ClinVar aggregate classification (germline): Uncertain significance (1 of 4 stars; one submission).

Conditions:
Autosomal dominant nonsyndromic hearing loss 1. Also called: KONIGSMARK SYNDROME; DEAFNESS, AUTOSOMAL DOMINANT 1, WITH OR WITHOUT THROMBOCYTOPENIA. Identifiers: Orphanet 90635, MedGen C1852282, MONDO:0007424, OMIM 124900.
Progressive microcephaly-seizures-cortical blindness-developmental delay syndrome. Also called: Seizures, cortical blindness, and microcephaly syndrome. Identifiers: Orphanet 477814, MedGen C5567650, MONDO:0014714, OMIM 616632.

Submission:

Labcorp Genetics (formerly Invitae), Labcorp
Classification: Uncertain significance for Progressive microcephaly-seizures-cortical blindness-developmental delay syndrome; Autosomal dominant nonsyndromic hearing loss 1. Last evaluated: 2023-04-11. Review status: criteria provided, single submitter. Criteria: Invitae Variant Classification Sherloc (09022015). Collection method: clinical testing. Allele origin: germline.
Comment: This sequence change replaces glutamic acid, which is acidic and polar, with valine, which is neutral and non-polar, at codon 506 of the DIAPH1 protein (p.Glu506Val). This variant is not present in population databases (gnomAD no frequency). This variant has not been reported in the literature in individuals affected with DIAPH1-related conditions. Experimental studies and prediction algorithms are not available or were not evaluated, and the functional significance of this variant is currently unknown. Algorithms developed to predict the effect of sequence changes on RNA splicing suggest that this variant may create or strengthen a splice site. In summary, the available evidence is currently insufficient to determine the role of this variant in disease. Therefore, it has been classified as a Variant of Uncertain Significance.

NM_005219.5(DIAPH1):c.1517A>T (p.Glu506Val)

Gene: DIAPH1 (diaphanous related formin 1; minus strand). Cytogenetic location: 5q31.3.
Variant type: single nucleotide variant.
Coding change: c.1517A>T on transcript NM_005219.5 (MANE Select); coding-DNA position 1517, A replaced by T.
Protein change: p.Glu506Val; replaces glutamic acid 506 with valine.
Molecular consequence: missense variant.
Genome position (GRCh38, 1-based): chr5:141,575,091, T>A on the plus strand (A>T on the coding strand, the complement: DIAPH1 is on the minus strand). VCF-style: chr5-141575091-T-A. GRCh37 (hg19) VCF-style: chr5-140954658-T-A.
Other names: c.1490A>T, p.Glu497Val (NM_001079812.3); c.1517A>T, p.Glu506Val (NM_001314007.2); short protein forms E497V, E506V.
Identifiers: ClinVar variation 2946397 (VCV002946397.3), dbSNP rs2513745906, ClinGen allele CA361524072.